The following is an entry in ClinVar:

NM_015650.4(TRAF3IP1):c.316G>A (p.Glu106Lys)

Gene: TRAF3IP1 (TRAF3 interacting protein 1; plus strand). Cytogenetic location: 2q37.3.
Variant type: single nucleotide variant.
Coding change: c.316G>A on transcript NM_015650.4 (MANE Select); coding-DNA position 316, G replaced by A.
Protein change: p.Glu106Lys; replaces glutamic acid 106 with lysine.
Molecular consequence: missense variant.
Genome position (GRCh38, 1-based): chr2:238,325,932, G>A. VCF-style: chr2-238325932-G-A. GRCh37 (hg19) VCF-style: chr2-239234573-G-A.
Other names: c.316G>A, p.Glu106Lys (NM_001139490.1); short protein forms E106K.
Identifiers: ClinVar variation 1061589 (VCV001061589.9), dbSNP rs1363044681, ClinGen allele CA351242520.

ClinVar aggregate classification (germline): Uncertain significance (1 of 4 stars; one submission).

Allele frequency attached by ClinVar (database versions not stated): gnomAD exomes 0.00001; TOPMed 0.00002.
gnomAD v4.1: 5 of 1,613,824 alleles (0.00031%); highest among the groups gnomAD compares: South Asian, 0.0011%; no homozygotes.

Submission:

Labcorp Genetics (formerly Invitae), Labcorp
Classification: Uncertain significance. Last evaluated: 2020-10-02. Review status: criteria provided, single submitter. Criteria: Invitae Variant Classification Sherloc (09022015). Collection method: clinical testing. Allele origin: germline.
Comment: This sequence change replaces glutamic acid with lysine at codon 106 of the TRAF3IP1 protein (p.Glu106Lys). The glutamic acid residue is highly conserved and there is a small physicochemical difference between glutamic acid and lysine. This variant is not present in population databases (ExAC no frequency). This variant has not been reported in the literature in individuals with TRAF3IP1-related conditions. Algorithms developed to predict the effect of missense changes on protein structure and function are either unavailable or do not agree on the potential impact of this missense change (SIFT: "Tolerated"; PolyPhen-2: "Possibly Damaging"; Align-GVGD: "Class C0"). In summary, the available evidence is currently insufficient to determine the role of this variant in disease. Therefore, it has been classified as a Variant of Uncertain Significance.